The following is an entry in ClinVar:

NM_001159699.2(FHL1):c.874T>A (p.Cys292Ser)

Gene: FHL1 (four and a half LIM domains 1; plus strand). Cytogenetic location: Xq26.3.
Variant type: single nucleotide variant.
Coding change: c.874T>A on transcript NM_001159699.2 (MANE Select); coding-DNA position 874, T replaced by A.
Protein change: p.Cys292Ser; replaces cysteine 292 with serine.
Molecular consequence: missense variant. On other transcripts: 3 prime UTR variant (6), non-coding transcript variant (1).
Genome position (GRCh38, 1-based): chrX:136,210,008, T>A. VCF-style: chrX-136210008-T-A. GRCh37 (hg19) VCF-style: chrX-135292167-T-A.
Other names: c.826T>A, p.Cys276Ser (NM_001159700.2, NM_001159704.1, NM_001167819.1 and 4 more transcripts); c.913T>A, p.Cys305Ser (NM_001159701.2); c.*54T>A (NM_001159702.3, NM_001159703.2, NM_001330659.2 and 3 more transcripts); short protein forms C276S, C292S, C305S.
Identifiers: ClinVar variation 537357 (VCV000537357.7), dbSNP rs1556639771, ClinGen allele CA414609924.

ClinVar aggregate classification (germline): Likely pathogenic (1 of 4 stars; one submission).

Conditions:
X-linked myopathy with postural muscle atrophy. Also called: FHL1-Related Emery-Dreifuss Muscular Dystrophy, X-Linked. Identifiers: Orphanet 178461, MedGen C2678055, MONDO:0010401, OMIM 300696.

Submission:

Labcorp Genetics (formerly Invitae), Labcorp
Classification: Likely pathogenic for X-linked myopathy with postural muscle atrophy. Last evaluated: 2024-03-04. Review status: criteria provided, single submitter. Criteria: Invitae Variant Classification Sherloc (09022015). Collection method: clinical testing. Allele origin: germline.
Comment: This sequence change replaces cysteine, which is neutral and slightly polar, with serine, which is neutral and polar, at codon 276 of the FHL1 protein (p.Cys276Ser). This variant is not present in population databases (gnomAD no frequency). This missense change has been observed in individuals with X-linked recessive hypertrophic cardiomyopathy (PMID: 22523091; Invitae). ClinVar contains an entry for this variant (Variation ID: 537357). An algorithm developed to predict the effect of missense changes on protein structure and function (PolyPhen-2) suggests that this variant is likely to be disruptive. Experimental studies have shown that this missense change affects FHL1 function (PMID: 22523091). This variant disrupts the p.Cys276 amino acid residue in FHL1. Other variant(s) that disrupt this residue have been determined to be pathogenic (PMID: 19716112). This suggests that this residue is clinically significant, and that variants that disrupt this residue are likely to be disease-causing. In summary, the currently available evidence indicates that the variant is pathogenic, but additional data are needed to prove that conclusively. Therefore, this variant has been classified as Likely Pathogenic.

Literature cited by the submitters: PubMed 22523091; PubMed 19716112.